The following is an entry in ClinVar:

NM_000284.4(PDHA1):c.484G>A (p.Gly162Arg)

Gene: PDHA1 (pyruvate dehydrogenase E1 subunit alpha 1; plus strand). Cytogenetic location: Xp22.12.
Variant type: single nucleotide variant.
Coding change: c.484G>A on transcript NM_000284.4 (MANE Select); coding-DNA position 484, G replaced by A.
Protein change: p.Gly162Arg; replaces glycine 162 with arginine.
Molecular consequence: missense variant.
Genome position (GRCh38, 1-based): chrX:19,353,147, G>A. VCF-style: chrX-19353147-G-A. GRCh37 (hg19) VCF-style: chrX-19371265-G-A.
Other names: c.598G>A, p.Gly200Arg (NM_001173454.2); c.505G>A, p.Gly169Arg (NM_001173455.2); c.484G>A, p.Gly162Arg (NM_001173456.2); short protein forms G162R, G169R, G200R.
Identifiers: ClinVar variation 4070489 (VCV004070489.1).

ClinVar aggregate classification (germline): Pathogenic (0 of 4 stars; one submission).

Conditions:
Pyruvate dehydrogenase E1-alpha deficiency (PDHAD). Also called: ATAXIA, INTERMITTENT, WITH PYRUVATE DEHYDROGENASE DEFICIENCY; ATAXIA WITH LACTIC ACIDOSIS I; ATAXIA, INTERMITTENT, WITH ABNORMAL PYRUVATE METABOLISM; Ataxia, intermittent, with pyruvate dehydrogenase, or decarboxylase, deficiency. Identifiers: Orphanet 79243, MedGen C1839413, MONDO:0010717, OMIM 312170.

Submission:

PDHA1 Study Group, University Children’s Hospital, Paracelsus Medical University
Classification: Pathogenic for Pyruvate dehydrogenase E1-alpha deficiency. Last evaluated: 2024-10-15. Review status: no assertion criteria provided. Collection method: research. Allele origin: germline. Affected: yes. Observed: 3 variant alleles.
Comment: The NM_000284.3:c.484G>A (p.Gly162Arg) substitution is a missense variant in PDHA1 gene. In total, 3 individuals were diagnosed with PDHA1-related Pyruvate dehydrogenase complex (PDHc) deficiency (MIM #312170). The variant has been reported in 1 published case (PMIDs: 8664900). Additional 2 unpublished cases from internal data are included. Last literature search: July 12, 2024. This variant is absent or extremely rare in population-based cohorts in the Genome Aggregation Database (gnomAD). Individuals harboring this variant presented with clinical features compatible with PDHA1-related PDHc deficiency. In summary, this variant meets criteria to be classified as pathogenic (P) for PDHA1-related PDHc deficiency based on the ACMG/AMP criteria applied: PS1, PM1, PM2, PM7, PP3 (last assessment October 15, 2024).

Literature cited by the submitters: PubMed 8664900; DOI 10.1093/brain/awaf430.